The following is an entry in ClinVar:

ClinVar aggregate classification (germline): Uncertain significance. Review status: criteria provided, multiple submitters, no conflicts (2 of 4 stars). 4 submissions from 4 submitters: Uncertain significance (4). Last evaluated 2024-11-09.

Conditions:
Glycogen storage disease, type VII (GSD7). Also called: TARUI DISEASE; MUSCLE PHOSPHOFRUCTOKINASE DEFICIENCY; PFKM DEFICIENCY; GSD VII. Identifiers: Orphanet 371, MedGen C0017926, MONDO:0009295, OMIM 232800.

Allele frequency attached by ClinVar (database versions not stated): gnomAD exomes 0.00003; gnomAD 0.00005 and 0.00006; ExAC 0.00006.

Submissions (4):

GeneDx
Classification: Uncertain significance. Last evaluated: 2024-11-09. Review status: criteria provided, single submitter. Criteria: GeneDx Variant Classification Process June 2021. Collection method: clinical testing. Allele origin: germline. Affected: yes.
Comment: In silico analysis supports that this missense variant has a deleterious effect on protein structure/function; Has not been previously published as pathogenic or benign to our knowledge

Labcorp Genetics (formerly Invitae), Labcorp
Classification: Uncertain significance for Glycogen storage disease, type VII. Last evaluated: 2022-02-12. Review status: criteria provided, single submitter. Criteria: Invitae Variant Classification Sherloc (09022015). Collection method: clinical testing. Allele origin: germline.
Comment: This sequence change replaces arginine, which is basic and polar, with histidine, which is basic and polar, at codon 286 of the PFKM protein (p.Arg286His). This variant is present in population databases (rs768496070, gnomAD 0.02%). This variant has not been reported in the literature in individuals affected with PFKM-related conditions. ClinVar contains an entry for this variant (Variation ID: 1330983). Algorithms developed to predict the effect of missense changes on protein structure and function are either unavailable or do not agree on the potential impact of this missense change (SIFT: "Deleterious"; PolyPhen-2: "Possibly Damaging"; Align-GVGD: "Class C0"). In summary, the available evidence is currently insufficient to determine the role of this variant in disease. Therefore, it has been classified as a Variant of Uncertain Significance.

Fulgent Genetics
Classification: Uncertain significance for Glycogen storage disease, type VII. Last evaluated: 2021-07-28. Review status: criteria provided, single submitter. Criteria: ACMG Guidelines, 2015. Collection method: clinical testing. Allele origin: unknown.

ARUP Laboratories, Molecular Genetics and Genomics, ARUP Laboratories
Classification: Uncertain significance for Glycogen storage disease, type VII. Last evaluated: 2020-12-11. Review status: criteria provided, single submitter. Criteria: ARUP Molecular Germline Variant Investigation Process 2021. Collection method: clinical testing. Allele origin: germline.

NM_000289.6(PFKM):c.857G>A (p.Arg286His)

Gene: PFKM (phosphofructokinase, muscle; plus strand). Cytogenetic location: 12q13.11.
Variant type: single nucleotide variant.
Coding change: c.857G>A on transcript NM_000289.6 (MANE Select); coding-DNA position 857, G replaced by A.
Protein change: p.Arg286His; replaces arginine 286 with histidine.
Molecular consequence: missense variant. On other transcripts: non-coding transcript variant (6), intron variant (1).
Genome position (GRCh38, 1-based): chr12:48,135,304, G>A. VCF-style: chr12-48135304-G-A. GRCh37 (hg19) VCF-style: chr12-48529087-G-A.
Other names: c.1070G>A, p.Arg357His (NM_001166686.2, NM_001354737.1, NM_001354738.1 and 1 more transcripts); c.857G>A, p.Arg286His (NM_001166687.2, NM_001166688.2, NM_001354742.2 and 3 more transcripts); c.1166G>A, p.Arg389His (NM_001354735.1, NM_001354736.1); c.1001G>A, p.Arg334His (NM_001354740.1); c.881G>A, p.Arg294His (NM_001354741.2); c.770G>A, p.Arg257His (NM_001354745.2); c.707G>A, p.Arg236His (NM_001354747.2, NM_001354748.2); c.843+266G>A (NM_001363619.2); and 1 more; short protein forms R236H, R257H, R286H, R294H, R334H, R357H, R389H.
Identifiers: ClinVar variation 1330983 (VCV001330983.10), dbSNP rs768496070, ClinGen allele CA6537134.